The following is an entry in ClinVar:

NM_003998.4(NFKB1):c.407+4A>C

Gene: NFKB1 (nuclear factor kappa B subunit 1; plus strand). Cytogenetic location: 4q24.
Variant type: single nucleotide variant.
Coding change: c.407+4A>C on transcript NM_003998.4 (MANE Select); 4 bases into the intron after coding-DNA position 407, A replaced by C.
Molecular consequence: intron variant.
Genome position (GRCh38, 1-based): chr4:102,567,139, A>C. VCF-style: chr4-102567139-A-C. GRCh37 (hg19) VCF-style: chr4-103488296-A-C.
Other names: c.404+4A>C (NM_001165412.2, NM_001319226.2); c.407+4A>C (LRG_1316t1).
Identifiers: ClinVar variation 636556 (VCV000636556.5), dbSNP rs767638485, ClinGen allele CA3025875.

ClinVar aggregate classification (germline): Uncertain significance. Review status: criteria provided, multiple submitters, no conflicts (2 of 4 stars). 2 submissions from 2 submitters: Uncertain significance (2). Last evaluated 2024-07-16.

Allele frequency attached by ClinVar (database versions not stated): ExAC 0.00001; gnomAD 0.00001; gnomAD exomes 0.00001; TOPMed 0.00001.
gnomAD v4.1: 14 of 1,613,274 alleles (0.00087%); highest among the groups gnomAD compares: Non-Finnish European, 0.0012%; no homozygotes.

Submissions (2):

Blueprint Genetics
Classification: Uncertain significance. Last evaluated: 2024-07-16. Review status: criteria provided, single submitter. Criteria: ACMG Guidelines, 2015. Collection method: clinical testing. Allele origin: germline.

Labcorp Genetics (formerly Invitae), Labcorp
Classification: Uncertain significance. Last evaluated: 2024-02-05. Review status: criteria provided, single submitter. Criteria: Invitae Variant Classification Sherloc (09022015). Collection method: clinical testing. Allele origin: germline.
Comment: This sequence change falls in intron 6 of the NFKB1 gene. It does not directly change the encoded amino acid sequence of the NFKB1 protein. It affects a nucleotide within the consensus splice site. This variant is present in population databases (rs767638485, gnomAD 0.003%). This variant has not been reported in the literature in individuals affected with NFKB1-related conditions. ClinVar contains an entry for this variant (Variation ID: 636556). Variants that disrupt the consensus splice site are a relatively common cause of aberrant splicing (PMID: 17576681, 9536098). Algorithms developed to predict the effect of sequence changes on RNA splicing suggest that this variant is not likely to affect RNA splicing. In summary, the available evidence is currently insufficient to determine the role of this variant in disease. Therefore, it has been classified as a Variant of Uncertain Significance.

Literature cited by the submitters: PubMed 17576681 (cited by Labcorp Genetics (formerly Invitae), Labcorp); PubMed 9536098 (cited by Labcorp Genetics (formerly Invitae), Labcorp).